The following is an entry in ClinVar:

NR_033294.2(SNORD118):n.110C>T

Genes: SNORD118 (small nucleolar RNA, C/D box 118; minus strand), TMEM107 (transmembrane protein 107; minus strand). Cytogenetic location: 17p13.1.
Variant type: single nucleotide variant.
Molecular consequence: non-coding transcript variant (on NR_033294.2). On other transcripts: 3 prime UTR variant (5).
Genome position: GRCh38 VCF-style: chr17-8173479-G-A. GRCh37 (hg19) VCF-style: chr17-8076797-G-A.
Other names: c.*724C>T (NM_032354.3, NM_001351278.2, NM_001351279.2 and 3 more transcripts).
Identifiers: ClinVar variation 1641445 (VCV001641445.33), dbSNP rs200655899, ClinGen allele CA8370609.

ClinVar aggregate classification (germline): Likely benign. Review status: criteria provided, multiple submitters, no conflicts (2 of 4 stars). 3 submissions from 3 submitters: Likely benign (3). Last evaluated 2026-01-20.

Conditions:
TMEM107-related disorder. Also called: TMEM107-related condition.

gnomAD v4.1: 501 of 764,858 alleles (0.066%); highest among the groups gnomAD compares: Middle Eastern, 0.15%; 1 homozygote.

Submissions (3):

Labcorp Genetics (formerly Invitae), Labcorp
Classification: Likely benign. Last evaluated: 2026-01-20. Review status: criteria provided, single submitter. Criteria: Invitae Variant Classification Sherloc (09022015). Collection method: clinical testing. Allele origin: germline.

PreventionGenetics, part of Exact Sciences
Classification: Likely benign for TMEM107-related condition. Last evaluated: 2025-12-11. Review status: criteria provided, single submitter. Criteria: ACMG Guidelines, 2015. Collection method: clinical testing. Allele origin: germline.
Comment: This variant is classified as likely benign based on ACMG/AMP sequence variant interpretation guidelines (Richards et al. 2015 PMID: 25741868, with internal and published modifications).

CeGaT Center for Human Genetics Tuebingen
Classification: Likely benign. Last evaluated: 2023-10-01. Review status: criteria provided, single submitter. Criteria: CeGaT Center For Human Genetics Tuebingen Variant Classification Criteria Version 2. Collection method: clinical testing. Allele origin: germline. Affected: yes. Observed: 1 variant allele.
Comment: SNORD118: BS1